The following is an entry in ClinVar:

NM_001164508.2(NEB):c.6226G>A (p.Val2076Ile)

Gene: NEB (nebulin; minus strand). Cytogenetic location: 2q23.3.
Variant type: single nucleotide variant.
Coding change: c.6226G>A on transcript NM_001164508.2 (MANE Select); coding-DNA position 6226, G replaced by A.
Protein change: p.Val2076Ile; replaces valine 2076 with isoleucine.
Molecular consequence: missense variant.
Genome position (GRCh38, 1-based): chr2:151,656,422, C>T on the plus strand (G>A on the coding strand, the complement: NEB is on the minus strand). VCF-style: chr2-151656422-C-T. GRCh37 (hg19) VCF-style: chr2-152512936-C-T.
Other names: c.6226G>A, p.Val2076Ile (NM_001164507.2, NM_001271208.2, NM_004543.5); short protein forms V2076I.
Identifiers: ClinVar variation 2103453 (VCV002103453.1), dbSNP rs2552253010, ClinGen allele CA348800374.

ClinVar aggregate classification (germline): Uncertain significance (1 of 4 stars; one submission).

Conditions:
Nemaline myopathy 2 (NEM2). Also called: Nemaline myopathy 2, autosomal recessive. Identifiers: MedGen C1850569, MONDO:0009725, OMIM 256030.

Submission:

Labcorp Genetics (formerly Invitae), Labcorp
Classification: Uncertain significance for Nemaline myopathy 2. Last evaluated: 2022-02-25. Review status: criteria provided, single submitter. Criteria: Invitae Variant Classification Sherloc (09022015). Collection method: clinical testing. Allele origin: germline.
Comment: This sequence change replaces valine, which is neutral and non-polar, with isoleucine, which is neutral and non-polar, at codon 2076 of the NEB protein (p.Val2076Ile). This variant is not present in population databases (gnomAD no frequency). This variant has not been reported in the literature in individuals affected with NEB-related conditions. Algorithms developed to predict the effect of missense changes on protein structure and function are either unavailable or do not agree on the potential impact of this missense change (SIFT: "Deleterious"; PolyPhen-2: "Not Available"; Align-GVGD: "Class C0"). In summary, the available evidence is currently insufficient to determine the role of this variant in disease. Therefore, it has been classified as a Variant of Uncertain Significance.